The following is an entry in ClinVar:

ClinVar aggregate classification (germline): Uncertain significance. Review status: criteria provided, multiple submitters, no conflicts (2 of 4 stars). 9 submissions from 9 submitters: Uncertain significance (8). 1 of the submissions does not count toward it. Last evaluated 2026-07-01.

Conditions:
Cardiovascular phenotype. Identifiers: MedGen CN230736.
Glycogen storage disease, type II (IOPD). Also called: Pompe Disease; CARDIOMEGALIA GLYCOGENICA DIFFUSA; GLYCOGENOSIS, GENERALIZED, CARDIAC FORM; GSD II; POMPE DISEASE, INFANTILE-ONSET; GLYCOGEN STORAGE DISEASE II, INFANTILE-ONSET. Identifiers: Orphanet 365, MedGen C0017921, MONDO:0009290, OMIM 232300.

Submissions (9):

Genomenon, Inc
Classification: Uncertain significance for Glycogen storage disease, type II. Last evaluated: 2026-07-01. Review status: criteria provided, single submitter. Criteria: Genomenon Sequence Variant Interpretation Standards - Updated. Collection method: curation. Allele origin: germline.
Comment: GAA c.2330_2331+4dup is a duplication that affects the donor splice site of intron 16. This variant has been reported in the compound heterozygous and/or homozygous state in an individual without a confirmed diagnosis of Pompe disease (PMID:35123877). It is absent or not present at a significant frequency in gnomAD. In silico models predict that this variant is possibly or probably damaging. In conclusion, we classify GAA c.2330_2331+4dup as a variant of uncertain significance.

GeneDx
Classification: Uncertain significance. Last evaluated: 2025-08-18. Review status: criteria provided, single submitter. Criteria: GeneDx Variant Classification Process June 2021. Collection method: clinical testing. Allele origin: germline. Affected: yes.
Comment: Identified in a patient with late-onset Pompe disease in the published literature; this variant was found to be in cis with a pathogenic variant and in trans with a likely pathogenic variant in the GAA gene and may not be contributing to the phenotype (PMID: 35123877); In silico analysis supports a deleterious effect on splicing; Not observed at significant frequency in large population cohorts (gnomAD); This variant is associated with the following publications: (PMID: 35123877)

Labcorp Genetics (formerly Invitae), Labcorp
Classification: Uncertain significance for Glycogen storage disease, type II. Last evaluated: 2025-01-28. Review status: criteria provided, single submitter. Criteria: Invitae Variant Classification Sherloc (09022015). Collection method: clinical testing. Allele origin: germline.
Comment: This sequence change falls in intron 16 of the GAA gene. It does not directly change the encoded amino acid sequence of the GAA protein. It affects a nucleotide within the consensus splice site. This variant is present in population databases (rs762245732, gnomAD 0.0009%). This variant has not been reported in the literature in individuals affected with GAA-related conditions. ClinVar contains an entry for this variant (Variation ID: 581846). Variants that disrupt the consensus splice site are a relatively common cause of aberrant splicing (PMID: 17576681, 9536098). In summary, the available evidence is currently insufficient to determine the role of this variant in disease. Therefore, it has been classified as a Variant of Uncertain Significance.

Ambry Genetics
Classification: Uncertain significance for Cardiovascular phenotype. Last evaluated: 2024-10-17. Review status: criteria provided, single submitter. Criteria: Ambry Variant Classification Scheme 2023. Collection method: clinical testing. Allele origin: germline.
Comment: The c.2330_2331+4dupCGGTGA variant results from a duplication of 6 nucleotide(s) between positions c.2330 and c.2331+4 and involves the canonical splice donor site after coding exon 15 of the GAA gene. The canonical splice donor site is highly conserved in available vertebrate species. In silico splice site analysis for this alteration is inconclusive. Based on the available evidence, the clinical significance of this variant remains unclear.

Revvity Omics, Revvity
Classification: Uncertain significance. Last evaluated: 2024-03-14. Review status: criteria provided, single submitter. Criteria: ACMG Guidelines, 2015. Collection method: clinical testing. Allele origin: germline.

AiLife Diagnostics
Classification: Uncertain significance. Last evaluated: 2021-12-03. Review status: criteria provided, single submitter. Criteria: ACMG Guidelines, 2015. Collection method: clinical testing. Allele origin: germline. Affected: yes. Observed: 1 variant allele.

Fulgent Genetics
Classification: Uncertain significance for Glycogen storage disease, type II. Last evaluated: 2021-10-25. Review status: criteria provided, single submitter. Criteria: ACMG Guidelines, 2015. Collection method: clinical testing. Allele origin: unknown.

Genome-Nilou Lab
Classification: Uncertain significance for Glycogen storage disease, type II. Last evaluated: 2021-09-05. Review status: criteria provided, single submitter. Criteria: ACMG Guidelines, 2015. Collection method: clinical testing. Allele origin: germline. Affected: no.

Natera, Inc.
Classification: Uncertain significance for Glycogen storage disease type II. Last evaluated: 2020-09-16. Review status: no assertion criteria provided. Collection method: clinical testing. Allele origin: germline. Not counted in ClinVar's aggregate classification.

Literature cited by the submitters: PubMed 35123877 (cited by Genomenon, Inc and Ambry Genetics); PubMed 17576681 (cited by Labcorp Genetics (formerly Invitae), Labcorp); PubMed 9536098 (cited by Labcorp Genetics (formerly Invitae), Labcorp).

NM_000152.5(GAA):c.2330_2331+4dup

Gene: GAA (alpha glucosidase; plus strand). Cytogenetic location: 17q25.3.
Variant type: Duplication.
Coding change: c.2330_2331+4dup on transcript NM_000152.5 (MANE Select); coding-DNA position 2330 through 4 bases into the intron after coding-DNA position 2331, 6 bases duplicated (CGGTGA; older notation c.2330_2331+4dupCGGTGA).
Molecular consequence: splice donor variant.
Genome position (GRCh38, 1-based): chr17:80,117,108-80,117,113, CGGTGA duplicated; duplicating any 6 consecutive bases within chr17:80,117,106-80,117,113 gives the same sequence; the c. name uses the placement nearest the transcript's 3' end. VCF-style (leftmost placement, unchanged base first): chr17-80117105-A-AGACGGT. GRCh37 (hg19) VCF-style: chr17-78090904-A-AGACGGT.
Other names: c.2330_2331+4dup (LRG_673t1, NM_001079803.3, NM_001079804.3); c.2330_2331+4dupCGGTGA (NM_000152.3).
Identifiers: ClinVar variation 581846 (VCV000581846.23), dbSNP rs762245732, ClinGen allele CA8815688.